The following is an entry in ClinVar:

NM_173798.4(ZCCHC12):c.100G>A (p.Gly34Ser)

Gene: ZCCHC12 (zinc finger CCHC-type containing 12; plus strand). Cytogenetic location: Xq24.
Variant type: single nucleotide variant.
Coding change: c.100G>A on transcript NM_173798.4 (MANE Select); coding-DNA position 100, G replaced by A.
Protein change: p.Gly34Ser; replaces glycine 34 with serine.
Molecular consequence: missense variant.
Genome position (GRCh38, 1-based): chrX:118,825,344, G>A. VCF-style: chrX-118825344-G-A. GRCh37 (hg19) VCF-style: chrX-117959307-G-A.
Other names: c.100G>A, p.Gly34Ser (NM_001312891.2); c.100G>A (NM_173798.2); short protein forms G34S.
Identifiers: ClinVar variation 1205849 (VCV001205849.30), dbSNP rs190906444, ClinGen allele CA10500233.
Genomic context (GRCh38, chrX:118,825,344, plus strand): 5'-CTGAATGCACCCTTGCCGCCTTGGGCCCATTCCATGCTGAGGTCCCTGGGGAGAAGTCTC[G>A]GTCCTATAATGGCCAGCATGGCAGACAGAAACATGAAGTTGTTCTCGGGGAGGGTGGTGC-3'
Protein context (NP_776159.1, residues 24-44): SMLRSLGRSL[Gly34Ser]PIMASMADRN

ClinVar aggregate classification (germline): Conflicting classifications of pathogenicity. Review status: criteria provided, conflicting classifications (1 of 4 stars). 4 submissions from 4 submitters: Uncertain significance (1); Likely benign (1). 2 of the submissions do not count toward it. Last evaluated 2024-10-09.

Allele frequency attached by ClinVar (database versions not stated): gnomAD 0.00009 and 0.00011; TOPMed 0.00012; 1000 Genomes Project 30x 0.00021; gnomAD exomes 0.00025; 1000 Genomes Project 0.00026; ExAC 0.00032; ESP Exome Variant Server 0.00047.
gnomAD v4.1: 279 of 1,209,291 alleles (0.023%); highest among the groups gnomAD compares: Middle Eastern, 0.092%; no homozygotes.

Submissions (4):

Ambry Genetics
Classification: Uncertain significance. Last evaluated: 2024-10-09. Review status: criteria provided, single submitter. Criteria: Ambry Variant Classification Scheme 2023. Collection method: clinical testing. Allele origin: germline.

CeGaT Center for Human Genetics Tuebingen
Classification: Likely benign. Last evaluated: 2022-07-01. Review status: criteria provided, single submitter. Criteria: CeGaT Center For Human Genetics Tuebingen Variant Classification Criteria Version 2. Collection method: clinical testing. Allele origin: germline. Affected: yes. Observed: 1 variant allele.
Comment: ZCCHC12: BS2

Clinical Genetics DNA and cytogenetics Diagnostics Lab, Erasmus MC, Erasmus Medical Center
Classification: Likely benign. Review status: no assertion criteria provided. Collection method: clinical testing. Allele origin: germline. Affected: yes. Study: VKGL Data-share Consensus. Not counted in ClinVar's aggregate classification.

Laboratory of Diagnostic Genome Analysis, Leiden University Medical Center (LUMC)
Classification: Likely benign. Review status: no assertion criteria provided. Collection method: clinical testing. Allele origin: germline. Affected: yes. Study: VKGL Data-share Consensus. Not counted in ClinVar's aggregate classification.